The following is an entry in ClinVar:

NM_002474.3(MYH11):c.1109C>T (p.Ala370Val)

Gene: MYH11 (myosin heavy chain 11; minus strand). Cytogenetic location: 16p13.11.
Variant type: single nucleotide variant.
Coding change: c.1109C>T on transcript NM_002474.3 (MANE Select); coding-DNA position 1109, C replaced by T.
Protein change: p.Ala370Val; replaces alanine 370 with valine.
Molecular consequence: missense variant.
Genome position (GRCh38, 1-based): chr16:15,763,816, G>A on the plus strand (C>T on the coding strand, the complement: MYH11 is on the minus strand). VCF-style: chr16-15763816-G-A. GRCh37 (hg19) VCF-style: chr16-15857673-G-A.
Other names: c.1130C>T, p.Ala377Val (NM_001040113.2, NM_001040114.2); c.1109C>T, p.Ala370Val (NM_022844.3); short protein forms A370V, A377V.
Identifiers: ClinVar variation 1794510 (VCV001794510.4), dbSNP rs200447515, ClinGen allele CA278591865.

ClinVar aggregate classification (germline): Uncertain significance. Review status: criteria provided, multiple submitters, no conflicts (2 of 4 stars). 3 submissions from 3 submitters: Uncertain significance (3). Last evaluated 2025-06-24.

Conditions:
Familial thoracic aortic aneurysm and aortic dissection (TAAD). Also called: Thoracic aortic aneurysms and dissections. Identifiers: Orphanet 91387, MedGen C4707243, MONDO:0019625.

Allele frequency attached by ClinVar (database versions not stated): gnomAD exomes below 0.00001; gnomAD 0.00001; 1000 Genomes Project 30x 0.00016; 1000 Genomes Project 0.00020.
gnomAD v4.1: 7 of 1,592,160 alleles (0.00044%); highest among the groups gnomAD compares: African/African-American, 0.0042%; no homozygotes.

Submissions (3):

GeneDx
Classification: Uncertain significance. Last evaluated: 2025-06-24. Review status: criteria provided, single submitter. Criteria: GeneDx Variant Classification Process June 2021. Collection method: clinical testing. Allele origin: germline. Affected: yes.
Comment: Not observed at significant frequency in large population cohorts (gnomAD); In silico analysis supports that this missense variant has a deleterious effect on protein structure/function; Has not been previously published as pathogenic or benign to our knowledge

All of Us Research Program, National Institutes of Health
Classification: Uncertain significance for Familial thoracic aortic aneurysm and aortic dissection. Last evaluated: 2023-11-30. Review status: criteria provided, single submitter. Criteria: ACMG Guidelines, 2015. Collection method: clinical testing. Allele origin: germline. Inheritance: Autosomal dominant inheritance. Observed: 1 variant allele, 1 heterozygote.
Comment: This study involves interpretation of variants in research participants for the purpose of population health screening. Participant phenotype was not available at the time of variant classification. Additional details can be found in publication PMID: 35346344, PMCID: PMC8962531

Ambry Genetics
Classification: Uncertain significance for Familial thoracic aortic aneurysm and aortic dissection. Last evaluated: 2021-07-18. Review status: criteria provided, single submitter. Criteria: Ambry Variant Classification Scheme 2023. Collection method: clinical testing. Allele origin: germline.
Comment: The p.A370V variant (also known as c.1109C>T), located in coding exon 9 of the MYH11 gene, results from a C to T substitution at nucleotide position 1109. The alanine at codon 370 is replaced by valine, an amino acid with similar properties. This amino acid position is conserved. In addition, this alteration is predicted to be deleterious by in silico analysis. Since supporting evidence is limited at this time, the clinical significance of this alteration remains unclear.